The following is an entry in ClinVar:

ClinVar aggregate classification (germline): Pathogenic (1 of 4 stars; one submission).

Conditions:
X-linked Alport syndrome (ATS1). Also called: COL4A5-Related Nephropathy; NEPHROPATHY AND DEAFNESS, X-LINKED. Identifiers: Orphanet 63, Orphanet 88917, MedGen C4746986, MONDO:0010520, OMIM 301050.

Submission:

Precision Medicine Center, Zhengzhou University
Classification: Pathogenic for X-linked Alport syndrome. Review status: criteria provided, single submitter. Criteria: ACMG Guidelines, 2015. Collection method: research. Allele origin: germline. Affected: yes.
Comment: PM1:Located in a mutational hot spot PM2:not found in gnomAD PM5:Novel missense change at an amino acid residue where a different missense change determined to be pathogenic has been seen before PP2:Missense variant in a gene that has a low rate of benign missense variation and in which missense variants are a common mechanism of disease PP3:Multiple lines of computational evidence support a deleterious effect on the gene or gene product

NM_033380.3(COL4A5):c.1480G>T (p.Gly494Cys)

Gene: COL4A5 (collagen type IV alpha 5 chain; plus strand). Cytogenetic location: Xq22.3.
Variant type: single nucleotide variant.
Coding change: c.1480G>T on transcript NM_033380.3 (MANE Select); coding-DNA position 1480, G replaced by T.
Protein change: p.Gly494Cys; replaces glycine 494 with cysteine.
Molecular consequence: missense variant.
Genome position (GRCh38, 1-based): chrX:108,595,565, G>T. VCF-style: chrX-108595565-G-T. GRCh37 (hg19) VCF-style: chrX-107838795-G-T.
Other names: c.1480G>T, p.Gly494Cys (NM_000495.5); short protein forms G494C.
Identifiers: ClinVar variation 1077050 (VCV001077050.1), dbSNP rs1569493662, ClinGen allele CA413935902.
Genomic context (GRCh38, chrX:108,595,565, plus strand): 5'-CTAGGTGACAAAGGTGACACTTGCTTCAACTGCATTGGAACTGGTATTTCAGGGCCTCCA[G>T]GTCAACCTGGTTTGCCAGGTCTCCCAGGTCCTCCAGGTAAATTATGCCTCAGGGTAACCT-3'
Protein context (NP_203699.1, residues 484-504): CIGTGISGPP[Gly494Cys]QPGLPGLPGP